The following is an entry in ClinVar:

NM_001079668.3(NKX2-1):c.757A>C (p.Lys253Gln)

Genes: NKX2-1 (NK2 homeobox 1; minus strand), SFTA3 (surfactant associated 3; minus strand). Cytogenetic location: 14q13.3.
Variant type: single nucleotide variant.
Coding change: c.757A>C on transcript NM_001079668.3 (MANE Select); coding-DNA position 757, A replaced by C.
Protein change: p.Lys253Gln; replaces lysine 253 with glutamine.
Molecular consequence: missense variant.
Genome position (GRCh38, 1-based): chr14:36,517,727, T>G on the plus strand (A>C on the coding strand, the complement: NKX2-1 is on the minus strand). VCF-style: chr14-36517727-T-G. GRCh37 (hg19) VCF-style: chr14-36986932-T-G.
Other names: c.667A>C, p.Lys223Gln (NM_003317.4); short protein forms K223Q, K253Q.
Identifiers: ClinVar variation 2412883 (VCV002412883.3), dbSNP rs2502628298, ClinGen allele CA389459107.
Genomic context (GRCh38, chr14:36,517,727, plus strand): 5'-CGGTGCCCCCGCCGCCCCCGCCGCCGCCGCTGTCCTGCTGCAGTTGCTGCTGCGCCGCCT[T>G]GTCCTTGGCCTGGCGCTTCATTTTGTAGCGGTGGTTCTGGAACCAGATCTTGACCTGCGT-3'
Protein context (NP_001073136.1, residues 243-263): RYKMKRQAKD[Lys253Gln]AAQQQLQQDS

ClinVar aggregate classification (germline): Uncertain significance (1 of 4 stars; one submission).

Submission:

GeneDx
Classification: Uncertain significance. Last evaluated: 2022-07-24. Review status: criteria provided, single submitter. Criteria: GeneDx Variant Classification Process June 2021. Collection method: clinical testing. Allele origin: germline. Affected: yes.
Comment: Not observed at significant frequency in large population cohorts (gnomAD); In silico analysis supports that this missense variant has a deleterious effect on protein structure/function; Has not been previously published as pathogenic or benign to our knowledge